The following is an entry in ClinVar:

ClinVar aggregate classification (germline): Benign/Likely benign. Review status: criteria provided, multiple submitters, no conflicts (2 of 4 stars). 9 submissions from 9 submitters: Benign (2); Likely benign (7). Last evaluated 2026-01-22.

Conditions:
Hereditary cancer-predisposing syndrome. Also called: Neoplastic Syndromes, Hereditary; Tumor predisposition; Hereditary Cancer Syndrome; Hereditary neoplastic syndrome. Identifiers: Orphanet 140162, MedGen C0027672, MeSH D009386, MONDO:0015356.
Hereditary nonpolyposis colorectal neoplasms. Identifiers: MedGen C0009405, MeSH D003123.
Lynch syndrome 4 (LYNCH4). Also called: Colorectal cancer, hereditary nonpolyposis, type 4; Hereditary non-polyposis colorectal cancer, type 4. Identifiers: Orphanet 144, MedGen C1838333, MONDO:0013699, OMIM 614337. Disease mechanism: loss of function.
Lynch syndrome. Identifiers: Orphanet 144, MedGen C4552100, MONDO:0005835. Disease mechanism: loss of function.

Allele frequency attached by ClinVar (database versions not stated): TOPMed 0.00001; gnomAD 0.00003; ExAC 0.00007; 1000 Genomes Project 30x 0.00016; 1000 Genomes Project 0.00020.

Submissions (9):

Labcorp Genetics (formerly Invitae), Labcorp
Classification: Likely benign for Hereditary nonpolyposis colorectal neoplasms. Last evaluated: 2026-01-22. Review status: criteria provided, single submitter. Criteria: Invitae Variant Classification Sherloc (09022015). Collection method: clinical testing. Allele origin: germline.

Myriad Genetics, Inc.
Classification: Benign for Lynch syndrome 4. Last evaluated: 2025-01-27. Review status: criteria provided, single submitter. Criteria: Myriad Autosomal Dominant, Autosomal Recessive and X-Linked Classification Criteria (2023). Collection method: clinical testing. Allele origin: unknown.
Comment: This variant is considered benign. This variant is a silent/synonymous amino acid change and it is not expected to impact splicing.

All of Us Research Program, National Institutes of Health
Classification: Likely benign for Lynch syndrome. Last evaluated: 2024-02-05. Review status: criteria provided, single submitter. Criteria: ACMG Guidelines, 2015. Collection method: clinical testing. Allele origin: germline. Inheritance: Autosomal dominant inheritance. Observed: 5 variant alleles, 5 heterozygotes.
Comment: This study involves interpretation of variants in research participants for the purpose of population health screening. Participant phenotype was not available at the time of variant classification. Additional details can be found in publication PMID: 35346344, PMCID: PMC8962531

ARUP Laboratories, Molecular Genetics and Genomics, ARUP Laboratories
Classification: Likely benign. Last evaluated: 2023-12-04. Review status: criteria provided, single submitter. Criteria: ARUP Molecular Germline Variant Investigation Process 2024. Collection method: clinical testing. Allele origin: germline.

Quest Diagnostics Nichols Institute San Juan Capistrano
Classification: Likely benign. Last evaluated: 2022-12-16. Review status: criteria provided, single submitter. Criteria: Quest Diagnostics criteria. Collection method: clinical testing. Allele origin: unknown.

Women's Health and Genetics/Laboratory Corporation of America, LabCorp
Classification: Likely benign. Last evaluated: 2019-08-02. Review status: criteria provided, single submitter. Criteria: LabCorp Variant Classification Summary - May 2015. Collection method: clinical testing. Allele origin: germline.

Color Diagnostics, LLC DBA Color Health
Classification: Likely benign for Hereditary cancer-predisposing syndrome. Last evaluated: 2017-04-17. Review status: criteria provided, single submitter. Criteria: ACMG Guidelines, 2015. Collection method: clinical testing. Allele origin: germline.

Ambry Genetics
Classification: Likely benign for Hereditary cancer-predisposing syndrome. Last evaluated: 2015-06-24. Review status: criteria provided, single submitter. Criteria: Ambry Variant Classification Scheme 2023. Collection method: clinical testing. Allele origin: germline.

GeneDx
Classification: Benign. Last evaluated: 2015-03-03. Review status: criteria provided, single submitter. Criteria: GeneDx Variant Classification Process June 2021. Collection method: clinical testing. Allele origin: germline. Affected: yes.

NM_000535.7(PMS2):c.681C>T (p.Ile227=)

Gene: PMS2 (PMS1 homolog 2, mismatch repair system component; minus strand). Cytogenetic location: 7p22.1.
Variant type: single nucleotide variant.
Coding change: c.681C>T on transcript NM_000535.7 (MANE Select); coding-DNA position 681, C replaced by T.
Protein change: p.Ile227=; no amino-acid change (isoleucine 227 retained).
Molecular consequence: synonymous variant. On other transcripts: 5 prime UTR variant (2), non-coding transcript variant (1), intron variant (1).
Genome position (GRCh38, 1-based): chr7:5,999,132, G>A on the plus strand (C>T on the coding strand, the complement: PMS2 is on the minus strand). VCF-style: chr7-5999132-G-A. GRCh37 (hg19) VCF-style: chr7-6038763-G-A.
Other names: c.276C>T, p.Ile92= (NM_001322003.2, NM_001322004.2, NM_001322005.2 and 2 more transcripts); c.681C>T, p.Ile227= (NM_001322006.2, NM_001322014.2); c.363C>T, p.Ile121= (NM_001322007.2, NM_001322008.2); c.-253C>T (NM_001322011.2, NM_001322012.2); c.372C>T, p.Ile124= (NM_001322015.2); c.133-1709C>T (NM_001322013.2).
Identifiers: ClinVar variation 232437 (VCV000232437.26), dbSNP rs188813057, ClinGen allele CA050876.